The following is an entry in ClinVar:

ClinVar aggregate classification (germline): Conflicting classifications of pathogenicity. Review status: criteria provided, conflicting classifications (1 of 4 stars). 7 submissions from 7 submitters: Uncertain significance (2); Benign (2); Likely benign (2). 1 of the submissions does not count toward it. Last evaluated 2026-02-02.

Conditions:
Werner syndrome (WRN). Identifiers: Orphanet 902, MedGen C0043119, MONDO:0010196, OMIM 277700.

Allele frequency attached by ClinVar (database versions not stated): ESP Exome Variant Server 0.00008; gnomAD 0.00026 and 0.00046; TOPMed 0.00033; 1000 Genomes Project 0.00379.
gnomAD v4.1: 616 of 1,612,848 alleles (0.038%); highest among the groups gnomAD compares: East Asian, 0.66%; 3 homozygotes.

Submissions (7):

Labcorp Genetics (formerly Invitae), Labcorp
Classification: Benign for Werner syndrome. Last evaluated: 2026-02-02. Review status: criteria provided, single submitter. Criteria: Invitae Variant Classification Sherloc (09022015). Collection method: clinical testing. Allele origin: germline.

Mayo Clinic Laboratories, Mayo Clinic
Classification: Benign. Last evaluated: 2025-03-04. Review status: criteria provided, single submitter. Criteria: ACMG Guidelines, 2015. Collection method: clinical testing. Allele origin: germline. Observed: 1 variant allele.
Comment: BS1, BS2, BP4_moderate

Blueprint Genetics
Classification: Likely benign. Last evaluated: 2024-11-25. Review status: criteria provided, single submitter. Criteria: ACMG Guidelines, 2015. Collection method: clinical testing. Allele origin: germline.

Institute for Clinical Genetics, University Hospital TU Dresden, University Hospital TU Dresden
Classification: Uncertain significance. Last evaluated: 2021-11-03. Review status: criteria provided, single submitter. Criteria: ACMG Guidelines, 2015. Collection method: clinical testing. Allele origin: germline.

Illumina Laboratory Services, Illumina
Classification: Uncertain significance for Werner syndrome. Last evaluated: 2018-01-13. Review status: criteria provided, single submitter. Criteria: ICSL Variant Classification Criteria 13 December 2019. Collection method: clinical testing. Allele origin: germline.

Eurofins Ntd Llc (ga)
Classification: Likely benign. Last evaluated: 2014-08-14. Review status: criteria provided, single submitter. Criteria: EGL Classification Definitions 2015. Collection method: clinical testing. Allele origin: germline. Observed: 1 variant allele, 1 heterozygote.

ITMI
No classification provided. Condition: AllHighlyPenetrant. Last evaluated: 2013-09-19. Review status: no classification provided. Collection method: reference population. Allele origin: germline. Not counted in ClinVar's aggregate classification.
Comment: Please see associated publication for description of ethnicities

Literature cited by the submitters: PubMed 24728327 (cited by ITMI).

NM_000553.6(WRN):c.1530A>T (p.Glu510Asp)

Gene: WRN (WRN RecQ like helicase; plus strand). Cytogenetic location: 8p12.
Variant type: single nucleotide variant.
Coding change: c.1530A>T on transcript NM_000553.6 (MANE Select); coding-DNA position 1530, A replaced by T.
Protein change: p.Glu510Asp; replaces glutamic acid 510 with aspartic acid.
Molecular consequence: missense variant.
Genome position (GRCh38, 1-based): chr8:31,087,874, A>T. VCF-style: chr8-31087874-A-T. GRCh37 (hg19) VCF-style: chr8-30945390-A-T.
Other names: p.Glu510Asp; short protein forms E510D.
Identifiers: ClinVar variation 135416 (VCV000135416.24), dbSNP rs149565907, ClinGen allele CA162695.